The following is an entry in ClinVar:

NM_001164462.2(MUC12):c.10473C>A (p.Ser3491=)

Gene: MUC12 (mucin 12, cell surface associated; plus strand). Cytogenetic location: 7q22.1.
Variant type: single nucleotide variant.
Coding change: c.10473C>A on transcript NM_001164462.2 (MANE Select); coding-DNA position 10473, C replaced by A.
Protein change: p.Ser3491=; no amino-acid change (serine 3491 retained).
Molecular consequence: synonymous variant.
Genome position (GRCh38, 1-based): chr7:101,001,036, C>A. VCF-style: chr7-101001036-C-A. GRCh37 (hg19) VCF-style: chr7-100644317-C-A.
Identifiers: ClinVar variation 2657816 (VCV002657816.24), dbSNP rs1422390864, ClinGen allele CA456913467.

ClinVar aggregate classification (germline): Likely benign (1 of 4 stars; one submission).

Submission:

CeGaT Center for Human Genetics Tuebingen
Classification: Likely benign. Last evaluated: 2022-08-01. Review status: criteria provided, single submitter. Criteria: CeGaT Center For Human Genetics Tuebingen Variant Classification Criteria Version 2. Collection method: clinical testing. Allele origin: germline. Affected: yes. Observed: 1 variant allele.
Comment: MUC12: BP4, BP7